The following is an entry in ClinVar:

ClinVar aggregate classification (germline): Uncertain significance (1 of 4 stars; one submission).

Submission:

Dasa
Classification: Uncertain significance. Last evaluated: 2024-11-14. Review status: criteria provided, single submitter. Criteria: DASA Assertion Criteria. Collection method: clinical testing. Allele origin: germline.
Comment: NM_001290253.2(DPP6):c.803G>A (p.Ser268Asn) is a missense variant that results in the substitution of serine with asparagine. This variant is absent from population databases. Computational prediction algorithms are consistent with a benign effect. The currently available literature and clinical evidence are not sufficient to establish a definitive association between this variant and the reported condition. Therefore, this variant is classified as a variant of uncertain significance.

NM_130797.4(DPP6):c.627+20909G>A

Gene: DPP6 (dipeptidyl peptidase like 6; plus strand). Cytogenetic location: 7q36.2.
Variant type: single nucleotide variant.
Coding change: c.627+20909G>A on transcript NM_130797.4 (MANE Select); 20909 bases into the intron after coding-DNA position 627, G replaced by A.
Molecular consequence: intron variant. On other transcripts: missense variant (1), 3 prime UTR variant (1).
Genome position (GRCh38, 1-based): chr7:154,587,825, G>A. VCF-style: chr7-154587825-G-A. GRCh37 (hg19) VCF-style: chr7-154379535-G-A.
Other names: c.803G>A, p.Ser268Asn (NM_001290253.2); c.*651G>A (NM_001364502.2); c.444+20909G>A (NM_001364500.2, NM_001364499.2, NM_001364497.2 and 1 more transcripts); c.435+20909G>A (NM_001364501.2, NM_001039350.3); c.441+20909G>A (NM_001936.5, NM_001290252.2); short protein forms S268N.
Identifiers: ClinVar variation 4885015 (VCV004885015.2).